The following is an entry in ClinVar:

ClinVar aggregate classification (germline): Pathogenic (1 of 4 stars; one submission).

Conditions:
Granulomatous disease, chronic, autosomal recessive, cytochrome b-positive, type 2. Also called: GRANULOMATOUS DISEASE, CHRONIC, AUTOSOMAL RECESSIVE, 2; CGD, AUTOSOMAL RECESSIVE CYTOCHROME b-POSITIVE, TYPE II; GRANULOMATOUS DISEASE, CHRONIC, DUE TO NCF2 DEFICIENCY; Chronic granulomatous disease due to deficiency of NCF-2; Chronic Granulomatous Disease, Autosomal Recessive, Cytochrome b-Positive, Type II. Identifiers: Orphanet 379, MedGen C1856245, MONDO:0009310, OMIM 233710.

Allele frequency attached by ClinVar (database versions not stated): gnomAD exomes 0.00001.
gnomAD v4.1: 8 of 1,614,188 alleles (0.0005%); highest among the groups gnomAD compares: Non-Finnish European, 0.00068%; no homozygotes.

Submission:

Labcorp Genetics (formerly Invitae), Labcorp
Classification: Pathogenic for Granulomatous disease, chronic, autosomal recessive, cytochrome b-positive, type 2. Last evaluated: 2023-07-06. Review status: criteria provided, single submitter. Criteria: Invitae Variant Classification Sherloc (09022015). Collection method: clinical testing. Allele origin: germline.
Comment: Algorithms developed to predict the effect of sequence changes on RNA splicing suggest that this variant may disrupt the consensus splice site. For these reasons, this variant has been classified as Pathogenic. ClinVar contains an entry for this variant (Variation ID: 1378377). This variant has not been reported in the literature in individuals affected with NCF2-related conditions. This variant is not present in population databases (gnomAD no frequency). This sequence change creates a premature translational stop signal (p.Trp277*) in the NCF2 gene. It is expected to result in an absent or disrupted protein product. Loss-of-function variants in NCF2 are known to be pathogenic (PMID: 10498624, 20167518).

Literature cited by the submitters: PubMed 10498624; PubMed 20167518.

NM_000433.4(NCF2):c.830G>A (p.Trp277Ter)

Gene: NCF2 (neutrophil cytosolic factor 2; minus strand). Cytogenetic location: 1q25.3.
Variant type: single nucleotide variant.
Coding change: c.830G>A on transcript NM_000433.4 (MANE Select); coding-DNA position 830, G replaced by A.
Protein change: p.Trp277Ter; replaces tryptophan 277 with a stop codon.
Molecular consequence: nonsense.
Genome position (GRCh38, 1-based): chr1:183,567,229, C>T on the plus strand (G>A on the coding strand, the complement: NCF2 is on the minus strand). VCF-style: chr1-183567229-C-T. GRCh37 (hg19) VCF-style: chr1-183536364-C-T.
Other names: c.830G>A, p.Trp277Ter (NM_001127651.3); c.587G>A, p.Trp196Ter (NM_001190789.2); c.695G>A, p.Trp232Ter (NM_001190794.2); short protein forms W196*, W277*, W232*.
Identifiers: ClinVar variation 1378377 (VCV001378377.6), dbSNP rs2102890652, ClinGen allele CA343672304.
Genomic context (GRCh38, chr1:183,567,229, plus strand): 5'-ATGCCCATCGCACCAGCCCCTGATCCTCTGCATACCTGCCCGTTGAACATGACCGTGGCC[C>T]AGTTATCATTGCCCTTCTTCAAGACAAAGACAATGTTCCCTGGCATGACCTGGAGCTCTT-3'